The following is an entry in ClinVar:

NM_198525.3(KIF7):c.3359C>A (p.Ala1120Asp)

Genes: KIF7 (kinesin family member 7; minus strand), LOC126862216 (BRD4-independent group 4 enhancer GRCh37_chr15:90171995-90173194; plus strand). Cytogenetic location: 15q26.1.
Variant type: single nucleotide variant.
Coding change: c.3359C>A on transcript NM_198525.3 (MANE Select); coding-DNA position 3359, C replaced by A.
Protein change: p.Ala1120Asp; replaces alanine 1120 with aspartic acid.
Molecular consequence: missense variant.
Genome position (GRCh38, 1-based): chr15:89,629,533, G>T on the plus strand (C>A on the coding strand, the complement: KIF7 is on the minus strand). VCF-style: chr15-89629533-G-T. GRCh37 (hg19) VCF-style: chr15-90172764-G-T.
Other names: short protein forms A1120D.
Identifiers: ClinVar variation 3345020 (VCV003345020.1).
Genomic context (GRCh38, chr15:89,629,533, plus strand): 5'-ACCTCCAGCCAGTACACCAGCCTCTGCTGCTCCTCCAGCTGCATCTCCAGTTCCGAGAAG[G>T]CAATCTGCTGCTGGTGCTGCTCCTCTCGGAGCGTCACCACCTGTCCCAAGACCCAGCCAG-3'
Protein context (NP_940927.2, residues 1110-1130): LREEQHQQQI[Ala1120Asp]FSELEMQLEE

ClinVar aggregate classification (germline): Uncertain significance (0 of 4 stars; one submission).

Conditions:
KIF7-related disorder. Also called: KIF7-related condition.

Submission:

PreventionGenetics, part of Exact Sciences
Classification: Uncertain significance for KIF7-related condition. Last evaluated: 2024-08-24. Review status: no assertion criteria provided. Collection method: clinical testing. Allele origin: germline.
Comment: The KIF7 c.3359C>A variant is predicted to result in the amino acid substitution p.Ala1120Asp. To our knowledge, this variant has not been reported in the literature or in a large population database, indicating this variant is rare. At this time, the clinical significance of this variant is uncertain due to the absence of conclusive functional and genetic evidence.